The following is an entry in ClinVar:

NM_001042492.3(NF1):c.1148G>T (p.Cys383Phe)

Gene: NF1 (neurofibromin 1; plus strand). Cytogenetic location: 17q11.2.
Variant type: single nucleotide variant.
Coding change: c.1148G>T on transcript NM_001042492.3 (MANE Select); coding-DNA position 1148, G replaced by T.
Protein change: p.Cys383Phe; replaces cysteine 383 with phenylalanine.
Molecular consequence: missense variant.
Genome position (GRCh38, 1-based): chr17:31,201,122, G>T. VCF-style: chr17-31201122-G-T. GRCh37 (hg19) VCF-style: chr17-29528140-G-T.
Other names: c.1148G>T, p.Cys383Phe (NM_000267.4, NM_001128147.3); short protein forms C383F.
Identifiers: ClinVar variation 644336 (VCV000644336.5), dbSNP rs1597682085, ClinGen allele CA398997119.

ClinVar aggregate classification (germline): Uncertain significance (1 of 4 stars; one submission).

Conditions:
Neurofibromatosis, type 1 (NF1). Also called: NEUROFIBROMATOSIS, TYPE I, SOMATIC; VON RECKLINGHAUSEN DISEASE; Neurofibromatosis, type I; Peripheral type neurofibromatosis. Identifiers: Orphanet 636, MedGen C0027831, MONDO:0018975, OMIM 162200. Disease mechanism: loss of function.

Submission:

Labcorp Genetics (formerly Invitae), Labcorp
Classification: Uncertain significance for Neurofibromatosis, type 1. Last evaluated: 2018-09-10. Review status: criteria provided, single submitter. Criteria: Invitae Variant Classification Sherloc (09022015). Collection method: clinical testing. Allele origin: germline.
Comment: Algorithms developed to predict the effect of missense changes on protein structure and function are either unavailable or do not agree on the potential impact of this missense change (SIFT: "Tolerated"; PolyPhen-2: "Probably Damaging"; Align-GVGD: "Class C0"). This variant has not been reported in the literature in individuals with NF1-related disease. This variant is not present in population databases (ExAC no frequency). This sequence change replaces cysteine with phenylalanine at codon 383 of the NF1 protein (p.Cys383Phe). The cysteine residue is highly conserved and there is a large physicochemical difference between cysteine and phenylalanine. In summary, the available evidence is currently insufficient to determine the role of this variant in disease. Therefore, it has been classified as a Variant of Uncertain Significance.